The following is an entry in ClinVar:

ClinVar aggregate classification (germline): Likely benign (0 of 4 stars; one submission).

Conditions:
PFKM-related disorder. Also called: PFKM-related condition.

Allele frequency attached by ClinVar (database versions not stated): ExAC 0.00001; gnomAD 0.00001; ESP Exome Variant Server 0.00008.

Submission:

PreventionGenetics, part of Exact Sciences
Classification: Likely benign for PFKM-related condition. Last evaluated: 2021-02-03. Review status: no assertion criteria provided. Collection method: clinical testing. Allele origin: germline.
Comment: This variant is classified as likely benign based on ACMG/AMP sequence variant interpretation guidelines (Richards et al. 2015 PMID: 25741868, with internal and published modifications).

NM_000289.6(PFKM):c.1191+4C>T

Gene: PFKM (phosphofructokinase, muscle; plus strand). Cytogenetic location: 12q13.11.
Variant type: single nucleotide variant.
Coding change: c.1191+4C>T on transcript NM_000289.6 (MANE Select); 4 bases into the intron after coding-DNA position 1191, C replaced by T.
Molecular consequence: intron variant.
Genome position (GRCh38, 1-based): chr12:48,139,916, C>T. VCF-style: chr12-48139916-C-T. GRCh37 (hg19) VCF-style: chr12-48533699-C-T.
Other names: c.1215+4C>T (NM_001354741.2); c.1191+4C>T (NM_001354742.2, NM_001354743.2, NM_001354744.2 and 2 more transcripts); c.1041+4C>T (NM_001354747.2, NM_001354748.2); c.1404+4C>T (NM_001166686.2, NM_001354737.1, NM_001354739.1 and 1 more transcripts); c.1500+4C>T (NM_001354736.1, NM_001354735.1); c.1335+4C>T (NM_001354740.1); c.1104+4C>T (NM_001354745.2); c.1065+4C>T (NM_001354746.2); and 1 more.
Identifiers: ClinVar variation 3030778 (VCV003030778.2), dbSNP rs376759192, ClinGen allele CA6537257.